The following is an entry in ClinVar:

ClinVar aggregate classification (germline): Conflicting classifications of pathogenicity. Review status: criteria provided, conflicting classifications (1 of 4 stars). 2 submissions from 2 submitters: Uncertain significance (1); Benign (1). Last evaluated 2026-02-19.

Conditions:
Gorlin syndrome. Also called: Basal cell nevus syndrome; Nevoid Basal Cell Carcinoma Syndrome. Identifiers: Orphanet 377, MedGen C0004779, MONDO:0007187.
Hereditary cancer-predisposing syndrome. Also called: Hereditary Cancer Syndrome; Neoplastic Syndromes, Hereditary; Tumor predisposition; Hereditary neoplastic syndrome. Identifiers: Orphanet 140162, MedGen C0027672, MeSH D009386, MONDO:0015356.

Allele frequency attached by ClinVar (database versions not stated): TOPMed below 0.00001; gnomAD exomes 0.00001.
gnomAD v4.1: 3 of 1,614,074 alleles (0.00019%); highest among the groups gnomAD compares: Admixed American, 0.005%; no homozygotes.

Submissions (2):

Ambry Genetics
Classification: Uncertain significance for Hereditary cancer-predisposing syndrome. Last evaluated: 2026-02-19. Review status: criteria provided, single submitter. Criteria: Ambry Variant Classification Scheme 2023. Collection method: clinical testing. Allele origin: germline.
Comment: The p.Q659E variant (also known as c.1975C>G), located in coding exon 14 of the PTCH1 gene, results from a C to G substitution at nucleotide position 1975. The glutamine at codon 659 is replaced by glutamic acid, an amino acid with highly similar properties. This amino acid position is well conserved in available vertebrate species. In addition, the in silico prediction for this alteration is inconclusive. Based on the available evidence, the clinical significance of this variant remains unclear.

Labcorp Genetics (formerly Invitae), Labcorp
Classification: Benign for Gorlin syndrome. Last evaluated: 2026-01-25. Review status: criteria provided, single submitter. Criteria: Invitae Variant Classification Sherloc (09022015). Collection method: clinical testing. Allele origin: germline.

NM_000264.5(PTCH1):c.1975C>G (p.Gln659Glu)

Genes: PTCH1 (patched 1; minus strand), LOC100507346 (uncharacterized LOC100507346; plus strand). Cytogenetic location: 9q22.32.
Variant type: single nucleotide variant.
Coding change: c.1975C>G on transcript NM_000264.5 (MANE Select); coding-DNA position 1975, C replaced by G.
Protein change: p.Gln659Glu; replaces glutamine 659 with glutamic acid.
Molecular consequence: missense variant. On other transcripts: non-coding transcript variant (2).
Genome position (GRCh38, 1-based): chr9:95,469,026, G>C on the plus strand (C>G on the coding strand, the complement: PTCH1 is on the minus strand). VCF-style: chr9-95469026-G-C. GRCh37 (hg19) VCF-style: chr9-98231308-G-C.
Other names: c.1975C>G (NM_000264.3); c.1777C>G, p.Gln593Glu (NM_001083602.3); c.1972C>G, p.Gln658Glu (NM_001083603.3); c.1522C>G, p.Gln508Glu (NM_001083604.3, NM_001083605.3, NM_001083606.3 and 1 more transcripts); c.1819C>G, p.Gln607Glu (NM_001354918.2); short protein forms Q508E, Q593E, Q607E, Q658E, Q659E.
Identifiers: ClinVar variation 1024437 (VCV001024437.13), dbSNP rs1268572514, ClinGen allele CA374115919.
Genomic context (GRCh38, chr9:95,469,026, plus strand): 5'-CGGTGGTGTAGTACACGTGCGTGTGGGGGTCGTACTCCGTGCGGAGCTGGACAGTGGACT[G>C]CATGGTAATCTGCGTTTCATGGGCAAAGCTGTGGCTGCTGTAGGGAGGTGGGGGGCTGTA-3'
Protein context (NP_000255.2, residues 649-669): SFAHETQITM[Gln659Glu]STVQLRTEYD